The following is an entry in ClinVar:

NM_006415.4(SPTLC1):c.1390A>G (p.Ile464Val)

Gene: SPTLC1 (serine palmitoyltransferase long chain base subunit 1; minus strand). Cytogenetic location: 9q22.31.
Variant type: single nucleotide variant.
Coding change: c.1390A>G on transcript NM_006415.4 (MANE Select); coding-DNA position 1390, A replaced by G.
Protein change: p.Ile464Val; replaces isoleucine 464 with valine.
Molecular consequence: missense variant.
Genome position (GRCh38, 1-based): chr9:92,032,497, T>C on the plus strand (A>G on the coding strand, the complement: SPTLC1 is on the minus strand). VCF-style: chr9-92032497-T-C. GRCh37 (hg19) VCF-style: chr9-94794779-T-C.
Other names: c.1358A>G, p.His453Arg (NM_001281303.2); c.1024A>G, p.Ile342Val (NM_001368272.1); c.925A>G, p.Ile309Val (NM_001368273.1); short protein forms I309V, H453R, I342V, I464V.
Identifiers: ClinVar variation 2729350 (VCV002729350.3), dbSNP rs150207007, ClinGen allele CA195376627.
Genomic context (GRCh38, chr9:92,032,497, plus strand): 5'-GCAGGAGGCCATGGTCCCGGGACTCTGCCTAGAGCAGGACGGCCTGGGCTACCTCCTTGA[T>C]GGTGGACGCAGCTCTCTCCAGTTCTTCCTCTGTTTGTTCCACCGTGACCACAACCCGAAT-3'
Protein context (NP_006406.1, residues 454-473): EEELERAAST[Ile464Val]KEVAQAVLL

ClinVar aggregate classification (germline): Uncertain significance (1 of 4 stars; one submission).

Conditions:
Hereditary sensory and autonomic neuropathy type 1 (HSAN1). Also called: HSAN 1; HSN Type I; Hereditary Sensory Neuropathy Type I. Identifiers: Orphanet 36386, MedGen C0020071, MONDO:0018213.

Allele frequency attached by ClinVar (database versions not stated): gnomAD 0.00001; TOPMed 0.00001; gnomAD exomes below 0.00001.
gnomAD v4.1: 3 of 1,614,038 alleles (0.00019%); highest among the groups gnomAD compares: Non-Finnish European, 0.00025%; no homozygotes.

Submission:

Labcorp Genetics (formerly Invitae), Labcorp
Classification: Uncertain significance for Hereditary sensory and autonomic neuropathy type 1. Last evaluated: 2024-02-19. Review status: criteria provided, single submitter. Criteria: Invitae Variant Classification Sherloc (09022015). Collection method: clinical testing. Allele origin: germline.
Comment: This sequence change replaces isoleucine, which is neutral and non-polar, with valine, which is neutral and non-polar, at codon 464 of the SPTLC1 protein (p.Ile464Val). This variant is not present in population databases (gnomAD no frequency). This variant has not been reported in the literature in individuals affected with SPTLC1-related conditions. Advanced modeling of protein sequence and biophysical properties (such as structural, functional, and spatial information, amino acid conservation, physicochemical variation, residue mobility, and thermodynamic stability) performed at Invitae indicates that this missense variant is not expected to disrupt SPTLC1 protein function with a negative predictive value of 80%. In summary, the available evidence is currently insufficient to determine the role of this variant in disease. Therefore, it has been classified as a Variant of Uncertain Significance.